The following is an entry in ClinVar:

NM_006790.3(MYOT):c.49T>A (p.Cys17Ser)

Genes: MYOT (myotilin; plus strand), PKD2L2-DT (PKD2L2 divergent transcript; minus strand). Cytogenetic location: 5q31.2.
Variant type: single nucleotide variant.
Coding change: c.49T>A on transcript NM_006790.3 (MANE Select); coding-DNA position 49, T replaced by A.
Protein change: p.Cys17Ser; replaces cysteine 17 with serine.
Molecular consequence: missense variant. On other transcripts: intron variant (2).
Genome position (GRCh38, 1-based): chr5:137,870,700, T>A. VCF-style: chr5-137870700-T-A. GRCh37 (hg19) VCF-style: chr5-137206389-T-A.
Other names: c.-121+175T>A (NM_001300911.2); c.-197+175T>A (NM_001135940.2); short protein forms C17S.
Identifiers: ClinVar variation 2094657 (VCV002094657.4), dbSNP rs202005786, ClinGen allele CA361477843.

ClinVar aggregate classification (germline): Uncertain significance (1 of 4 stars; one submission).

Conditions:
Myofibrillar myopathy 3 (MFM3). Also called: Muscular dystrophy, proximal, type 1A; Autosomal dominant spheroid body myopathy. Identifiers: Orphanet 266, Orphanet 268129, MedGen C3714934, MONDO:0012215, OMIM 609200.

Submission:

Labcorp Genetics (formerly Invitae), Labcorp
Classification: Uncertain significance for Myofibrillar myopathy 3. Last evaluated: 2022-02-18. Review status: criteria provided, single submitter. Criteria: Invitae Variant Classification Sherloc (09022015). Collection method: clinical testing. Allele origin: germline.
Comment: In summary, the available evidence is currently insufficient to determine the role of this variant in disease. Therefore, it has been classified as a Variant of Uncertain Significance. Algorithms developed to predict the effect of missense changes on protein structure and function (SIFT, PolyPhen-2, Align-GVGD) all suggest that this variant is likely to be tolerated. This variant has not been reported in the literature in individuals affected with MYOT-related conditions. This variant is not present in population databases (gnomAD no frequency). This sequence change replaces cysteine, which is neutral and slightly polar, with serine, which is neutral and polar, at codon 17 of the MYOT protein (p.Cys17Ser).